The following is an entry in ClinVar:

ClinVar aggregate classification (germline): Uncertain significance. Review status: criteria provided, multiple submitters, no conflicts (2 of 4 stars). 2 submissions from 2 submitters: Uncertain significance (2). Last evaluated 2025-09-02.

Allele frequency attached by ClinVar (database versions not stated): gnomAD exomes below 0.00001 and 0.00001.
gnomAD v4.1: 3 of 1,607,842 alleles (0.00019%); highest among the groups gnomAD compares: Non-Finnish European, 0.00025%; no homozygotes.

Submissions (2):

Labcorp Genetics (formerly Invitae), Labcorp
Classification: Uncertain significance. Last evaluated: 2025-09-02. Review status: criteria provided, single submitter. Criteria: Invitae Variant Classification Sherloc (09022015). Collection method: clinical testing. Allele origin: germline.
Comment: This sequence change replaces isoleucine, which is neutral and non-polar, with valine, which is neutral and non-polar, at codon 1797 of the ADGRV1 protein (p.Ile1797Val). This variant is present in population databases (no rsID available, gnomAD 0.0009%). This variant has not been reported in the literature in individuals affected with ADGRV1-related conditions. ClinVar contains an entry for this variant (Variation ID: 935382). Invitae Evidence Modeling of protein sequence and biophysical properties (such as structural, functional, and spatial information, amino acid conservation, physicochemical variation, residue mobility, and thermodynamic stability) indicates that this missense variant is not expected to disrupt ADGRV1 protein function with a negative predictive value of 95%. In summary, the available evidence is currently insufficient to determine the role of this variant in disease. Therefore, it has been classified as a Variant of Uncertain Significance.

Blueprint Genetics
Classification: Uncertain significance. Last evaluated: 2019-07-19. Review status: criteria provided, single submitter. Criteria: ACMG Guidelines, 2015. Collection method: clinical testing. Allele origin: germline.

NM_032119.4(ADGRV1):c.5389A>G (p.Ile1797Val)

Gene: ADGRV1 (adhesion G protein-coupled receptor V1; plus strand). Cytogenetic location: 5q14.3.
Variant type: single nucleotide variant.
Coding change: c.5389A>G on transcript NM_032119.4 (MANE Select); coding-DNA position 5389, A replaced by G.
Protein change: p.Ile1797Val; replaces isoleucine 1797 with valine.
Molecular consequence: missense variant. On other transcripts: non-coding transcript variant (1).
Genome position (GRCh38, 1-based): chr5:90,676,155, A>G. VCF-style: chr5-90676155-A-G. GRCh37 (hg19) VCF-style: chr5-89971972-A-G.
Other names: short protein forms I1797V.
Identifiers: ClinVar variation 935382 (VCV000935382.9), dbSNP rs1049619408, ClinGen allele CA122799693.
Genomic context (GRCh38, chr5:90,676,155, plus strand): 5'-TTAGAATTTCAACCAGGAGAAAGATATAAATACATTTTCATAAACATCACTGATAATTCT[A>G]TTCCTGAACTGGAAAAATCTTTTAAAGTTGAGTTGTTAAACTTGGAAGGAGGAGGTAAGG-3'
Protein context (NP_115495.3, residues 1787-1807): YIFINITDNS[Ile1797Val]PELEKSFKVE